The following is an entry in ClinVar:

NM_017636.4(TRPM4):c.743G>A (p.Arg248His)

Gene: TRPM4 (transient receptor potential cation channel subfamily M member 4; plus strand). Cytogenetic location: 19q13.33.
Variant type: single nucleotide variant.
Coding change: c.743G>A on transcript NM_017636.4 (MANE Select); coding-DNA position 743, G replaced by A.
Protein change: p.Arg248His; replaces arginine 248 with histidine.
Molecular consequence: missense variant. On other transcripts: 5 prime UTR variant (2).
Genome position (GRCh38, 1-based): chr19:49,168,683, G>A. VCF-style: chr19-49168683-G-A. GRCh37 (hg19) VCF-style: chr19-49671940-G-A.
Other names: c.743G>A, p.Arg248His (NM_001195227.2); c.398G>A, p.Arg133His (NM_001321281.2); c.-811G>A (NM_001321282.2); c.221G>A, p.Arg74His (NM_001321283.2); c.-107G>A (NM_001321285.2); short protein forms R133H, R74H, R248H.
Identifiers: ClinVar variation 639177 (VCV000639177.8), dbSNP rs748954661, ClinGen allele CA9568929.
Genomic context (GRCh38, chr19:49,168,683, plus strand): 5'-ACTACTCGGCCTTCTTCCTGGTGGACGACGGCACACACGGCTGCCTGGGGGGCGAGAACC[G>A]CTTCCGCTTGCGCCTGGAGTCCTACATCTCACAGCAGAAGACGGGCGTGGGAGGTGAGTG-3'
Protein context (NP_060106.2, residues 238-258): GTHGCLGGEN[Arg248His]FRLRLESYIS

ClinVar aggregate classification (germline): Conflicting classifications of pathogenicity. Review status: criteria provided, conflicting classifications (1 of 4 stars). 3 submissions from 3 submitters: Uncertain significance (1); Likely benign (1). 1 of the submissions does not count toward it. Last evaluated 2025-08-18.

Conditions:
Cardiovascular phenotype. Identifiers: MedGen CN230736.
Progressive familial heart block type IB (PFHB1B). Identifiers: Orphanet 871, MedGen C1970298, MONDO:0011474, OMIM 604559.

Allele frequency attached by ClinVar (database versions not stated): ExAC 0.00001; gnomAD 0.00001; TOPMed 0.00001; gnomAD exomes 0.00002.
gnomAD v4.1: 35 of 1,610,460 alleles (0.0022%); highest among the groups gnomAD compares: South Asian, 0.0088%; no homozygotes.

Submissions (3):

Labcorp Genetics (formerly Invitae), Labcorp
Classification: Uncertain significance for Progressive familial heart block type IB. Last evaluated: 2025-08-18. Review status: criteria provided, single submitter. Criteria: Invitae Variant Classification Sherloc (09022015). Collection method: clinical testing. Allele origin: germline.
Comment: This sequence change replaces arginine, which is basic and polar, with histidine, which is basic and polar, at codon 248 of the TRPM4 protein (p.Arg248His). The frequency data for this variant in the population databases is considered unreliable, as metrics indicate poor data quality at this position in the gnomAD database. This variant has not been reported in the literature in individuals affected with TRPM4-related conditions. ClinVar contains an entry for this variant (Variation ID: 639177). An algorithm developed to predict the effect of missense changes on protein structure and function outputs the following: PolyPhen-2: "Benign". The histidine amino acid residue is found in multiple mammalian species, which suggests that this missense change does not adversely affect protein function. In summary, the available evidence is currently insufficient to determine the role of this variant in disease. Therefore, it has been classified as a Variant of Uncertain Significance.

Ambry Genetics
Classification: Likely benign for Cardiovascular phenotype. Last evaluated: 2024-05-06. Review status: criteria provided, single submitter. Criteria: Ambry Variant Classification Scheme 2023. Collection method: clinical testing. Allele origin: germline.

Department of Pathology and Laboratory Medicine, Sinai Health System
Classification: Uncertain significance. Review status: no assertion criteria provided. Collection method: clinical testing. Allele origin: unknown. Affected: yes. Study: The Canadian Open Genetics Repository (COGR). Not counted in ClinVar's aggregate classification.
Comment: The TRPM4 p.Arg133His variant was not identified in the literature nor was it identified in ClinVar or LOVD 3.0. The variant was identified in dbSNP (ID: rs748954661) and in control databases in 5 of 273544 chromosomes at a frequency of 0.00001828 (Genome Aggregation Database March 6, 2019, v2.1.1). The variant was observed in the following populations: South Asian in 4 of 29948 chromosomes (freq: 0.000134) and East Asian in 1 of 19502 chromosomes (freq: 0.000051), but was not observed in the African, Latino, Ashkenazi Jewish, European (Finnish), European (non-Finnish), or Other populations. The p.Arg133 residue is not conserved in mammals and four out of five computational analyses (PolyPhen-2, SIFT, AlignGVGD, BLOSUM, MutationTaster) do not suggest a high likelihood of impact to the protein; however, this information is not predictive enough to rule out pathogenicity. The variant occurs outside of the splicing consensus sequence and in silico or computational prediction software programs (SpliceSiteFinder, MaxEntScan, NNSPLICE, GeneSplicer) do not predict a difference in splicing. In summary, based on the above information the clinical significance of this variant cannot be determined with certainty at this time. This variant is classified as a variant of uncertain significance.